The following is an entry in ClinVar:

NM_001370259.2(MEN1):c.1078A>G (p.Ile360Val)

Gene: MEN1 (menin 1; minus strand). Cytogenetic location: 11q13.1.
Variant type: single nucleotide variant.
Coding change: c.1078A>G on transcript NM_001370259.2 (MANE Select); coding-DNA position 1078, A replaced by G.
Protein change: p.Ile360Val; replaces isoleucine 360 with valine.
Molecular consequence: missense variant.
Genome position (GRCh38, 1-based): chr11:64,805,742, T>C on the plus strand (A>G on the coding strand, the complement: MEN1 is on the minus strand). VCF-style: chr11-64805742-T-C. GRCh37 (hg19) VCF-style: chr11-64573214-T-C.
Other names: c.1093A>G, p.Ile365Val (NM_000244.4, NM_001407145.1, NM_130800.3 and 4 more transcripts); c.1204A>G, p.Ile402Val (NM_001370251.2, NM_001407142.1, NM_001407143.1 and 1 more transcripts); c.1078A>G, p.Ile360Val (NM_001370260.2, NM_001370261.2, NM_001407146.1 and 3 more transcripts); c.973A>G, p.Ile325Val (NM_001370262.2, NM_001370263.2, NM_001407148.1 and 1 more transcripts); c.1219A>G, p.Ile407Val (NM_001407150.1); c.1099A>G, p.Ile367Val (NM_001407151.1); short protein forms I365V, I367V, I325V, I360V, I402V, I407V.
Identifiers: ClinVar variation 1785377 (VCV001785377.2), dbSNP rs1114167475, ClinGen allele CA381182797.

ClinVar aggregate classification (germline): Uncertain significance (1 of 4 stars; one submission).

Conditions:
Hereditary cancer-predisposing syndrome. Also called: Neoplastic Syndromes, Hereditary; Tumor predisposition; Hereditary Cancer Syndrome; Hereditary neoplastic syndrome. Identifiers: Orphanet 140162, MedGen C0027672, MeSH D009386, MONDO:0015356.

Submission:

Ambry Genetics
Classification: Uncertain significance for Hereditary cancer-predisposing syndrome. Last evaluated: 2022-06-03. Review status: criteria provided, single submitter. Criteria: Ambry Variant Classification Scheme 2023. Collection method: clinical testing. Allele origin: germline.
Comment: The p.I360V variant (also known as c.1078A>G), located in coding exon 7 of the MEN1 gene, results from an A to G substitution at nucleotide position 1078. The isoleucine at codon 360 is replaced by valine, an amino acid with highly similar properties. This amino acid position is conserved. In addition, the in silico prediction for this alteration is inconclusive. Since supporting evidence is limited at this time, the clinical significance of this alteration remains unclear.